The following is an entry in ClinVar:

NM_000878.5(IL2RB):c.1489G>A (p.Gly497Arg)

Gene: IL2RB (interleukin 2 receptor subunit beta; minus strand). Cytogenetic location: 22q12.3.
Variant type: single nucleotide variant.
Coding change: c.1489G>A on transcript NM_000878.5 (MANE Select); coding-DNA position 1489, G replaced by A.
Protein change: p.Gly497Arg; replaces glycine 497 with arginine.
Molecular consequence: missense variant.
Genome position (GRCh38, 1-based): chr22:37,128,263, C>T on the plus strand (G>A on the coding strand, the complement: IL2RB is on the minus strand). VCF-style: chr22-37128263-C-T. GRCh37 (hg19) VCF-style: chr22-37524303-C-T.
Other names: c.1489G>A, p.Gly497Arg (NM_001346222.1, NM_001346223.2); short protein forms G497R.
Identifiers: ClinVar variation 3727907 (VCV003727907.2).

ClinVar aggregate classification (germline): Uncertain significance (1 of 4 stars; one submission).

Submission:

Labcorp Genetics (formerly Invitae), Labcorp
Classification: Uncertain significance. Last evaluated: 2024-12-24. Review status: criteria provided, single submitter. Criteria: Invitae Variant Classification Sherloc (09022015). Collection method: clinical testing. Allele origin: germline.
Comment: This sequence change replaces glycine, which is neutral and non-polar, with arginine, which is basic and polar, at codon 497 of the IL2RB protein (p.Gly497Arg). This variant is not present in population databases (gnomAD no frequency). This variant has not been reported in the literature in individuals affected with IL2RB-related conditions. An algorithm developed to predict the effect of missense changes on protein structure and function outputs the following: PolyPhen-2: "Benign". The arginine amino acid residue is found in multiple mammalian species, which suggests that this missense change does not adversely affect protein function. In summary, the available evidence is currently insufficient to determine the role of this variant in disease. Therefore, it has been classified as a Variant of Uncertain Significance.